The following is an entry in ClinVar:

ClinVar aggregate classification (germline): Uncertain significance. Review status: criteria provided, multiple submitters, no conflicts (2 of 4 stars). 3 submissions from 3 submitters: Uncertain significance (3). Last evaluated 2023-08-18.

Conditions:
Catecholaminergic polymorphic ventricular tachycardia 1. Also called: RYR2-Related Catecholaminergic Polymorphic Ventricular Tachycardia; VENTRICULAR TACHYCARDIA, CATECHOLAMINERGIC POLYMORPHIC, 1, WITH OR WITHOUT ATRIAL DYSFUNCTION AND/OR DILATED CARDIOMYOPATHY; VENTRICULAR TACHYCARDIA, STRESS-INDUCED POLYMORPHIC 1. Identifiers: Orphanet 3286, MedGen C1631597, MONDO:0011484, OMIM 604772.
Cardiovascular phenotype. Identifiers: MedGen CN230736.

Allele frequency attached by ClinVar (database versions not stated): gnomAD exomes below 0.00001; ExAC 0.00001.
gnomAD v4.1: 3 of 1,613,784 alleles (0.00019%); highest among the groups gnomAD compares: Non-Finnish European, 0.00025%; no homozygotes.

Submissions (3):

Ambry Genetics
Classification: Uncertain significance for Cardiovascular phenotype. Last evaluated: 2023-08-18. Review status: criteria provided, single submitter. Criteria: Ambry Variant Classification Scheme 2023. Collection method: clinical testing. Allele origin: germline.
Comment: The p.Q1022R variant (also known as c.3065A>G), located in coding exon 26 of the RYR2 gene, results from an A to G substitution at nucleotide position 3065. The glutamine at codon 1022 is replaced by arginine, an amino acid with highly similar properties. This amino acid position is highly conserved in available vertebrate species. In addition, this alteration is predicted to be deleterious by in silico analysis. Since supporting evidence is limited at this time, the clinical significance of this alteration remains unclear.

Labcorp Genetics (formerly Invitae), Labcorp
Classification: Uncertain significance for Catecholaminergic polymorphic ventricular tachycardia 1. Last evaluated: 2021-10-21. Review status: criteria provided, single submitter. Criteria: Invitae Variant Classification Sherloc (09022015). Collection method: clinical testing. Allele origin: germline.
Comment: Algorithms developed to predict the effect of sequence changes on RNA splicing suggest that this variant may disrupt the consensus splice site. Algorithms developed to predict the effect of missense changes on protein structure and function (SIFT, PolyPhen-2, Align-GVGD) all suggest that this variant is likely to be disruptive. This variant has not been reported in the literature in individuals affected with RYR2-related conditions. This variant is present in population databases (rs761384379, ExAC 0.002%). This sequence change replaces glutamine with arginine at codon 1022 of the RYR2 protein (p.Gln1022Arg). The glutamine residue is highly conserved and there is a small physicochemical difference between glutamine and arginine. In summary, the available evidence is currently insufficient to determine the role of this variant in disease. Therefore, it has been classified as a Variant of Uncertain Significance.

GeneDx
Classification: Uncertain significance. Last evaluated: 2021-02-16. Review status: criteria provided, single submitter. Criteria: GeneDx Variant Classification Process June 2021. Collection method: clinical testing. Allele origin: germline. Affected: yes.
Comment: Has not been previously published as pathogenic or benign to our knowledge; In silico analysis supports a deleterious effect on splicing; In silico analysis supports that this missense variant has a deleterious effect on protein structure/function

NM_001035.3(RYR2):c.3065A>G (p.Gln1022Arg)

Gene: RYR2 (ryanodine receptor 2; plus strand). Cytogenetic location: 1q43.
Variant type: single nucleotide variant.
Coding change: c.3065A>G on transcript NM_001035.3 (MANE Select); coding-DNA position 3065, A replaced by G.
Protein change: p.Gln1022Arg; replaces glutamine 1022 with arginine.
Molecular consequence: missense variant.
Genome position (GRCh38, 1-based): chr1:237,548,589, A>G. VCF-style: chr1-237548589-A-G. GRCh37 (hg19) VCF-style: chr1-237711889-A-G.
Other names: short protein forms Q1022R.
Identifiers: ClinVar variation 1316333 (VCV001316333.10), dbSNP rs761384379, ClinGen allele CA086276.
Genomic context (GRCh38, chr1:237,548,589, plus strand): 5'-ATGCACATAATGTGTGGGCGCGGGATCGAATCCGGCAGGGCTGGACTTATGGCATCCAAC[A>G]GGTACATGGGAATTAGCATTTGGTCTGAGACTTACTTAAGTGGGAATTAGCATAATTTGT-3'
Protein context (NP_001026.2, residues 1012-1032): IRQGWTYGIQ[Gln1022Arg]DVKNRRNPRL